The following is an entry in ClinVar:

ClinVar aggregate classification (germline): Uncertain significance. Review status: criteria provided, multiple submitters, no conflicts (2 of 4 stars). 2 submissions from 2 submitters: Uncertain significance (2). Last evaluated 2026-02-19.

Conditions:
Ichthyosis bullosa of Siemens (IBS). Also called: Superficial epidermolytic ichthyosis. Identifiers: Orphanet 455, MedGen C0432306, MONDO:0007813, OMIM 146800.
KRT2-related disorder. Also called: KRT2-related condition.

gnomAD v4.1: 93 of 1,578,712 alleles (0.0059%); highest among the groups gnomAD compares: Middle Eastern, 0.017%; no homozygotes.

Submissions (2):

Clinical Genomics Laboratory, Washington University in St. Louis
Classification: Uncertain significance for Ichthyosis bullosa of Siemens. Last evaluated: 2026-02-19. Review status: criteria provided, single submitter. Criteria: ACMG Guidelines, 2015. Collection method: clinical testing. Allele origin: germline.
Comment: A KRT2 c.256G>A (p.Ala86Thr) variant was identified at a near heterozygous allelic fraction of 47.7%, a frequency which may be consistent with germline origin. This variant, to our knowledge, has not been reported in the medical literature or the ClinVar database. It is observed on 93/1,578,712 alleles in the general population (gnomAD v4.1.0). Computational predictors suggest that the variant does not impact KRT2 function. Due to limited information, and based on ACMG/AMP guidelines for variant interpretation (Richards S et al., PMID: 25741868), the clinical significance of this variant is uncertain at this time.

PreventionGenetics, part of Exact Sciences
Classification: Uncertain significance for KRT2-related condition. Last evaluated: 2025-06-19. Review status: criteria provided, single submitter. Criteria: ACMG Guidelines, 2015. Collection method: clinical testing. Allele origin: germline.
Comment: The KRT2 c.256G>A variant is predicted to result in the amino acid substitution p.Ala86Thr. To our knowledge, this variant has not been reported in the literature. This variant is reported in 0.0099% of alleles in individuals of South Asian descent in gnomAD. At this time, the clinical significance of this variant is uncertain due to the absence of conclusive functional and genetic evidence.

NM_000423.3(KRT2):c.256G>A (p.Ala86Thr)

Gene: KRT2 (keratin 2; minus strand). Cytogenetic location: 12q13.13.
Variant type: single nucleotide variant.
Coding change: c.256G>A on transcript NM_000423.3 (MANE Select); coding-DNA position 256, G replaced by A.
Protein change: p.Ala86Thr; replaces alanine 86 with threonine.
Molecular consequence: missense variant.
Genome position (GRCh38, 1-based): chr12:52,651,887, C>T on the plus strand (G>A on the coding strand, the complement: KRT2 is on the minus strand). VCF-style: chr12-52651887-C-T. GRCh37 (hg19) VCF-style: chr12-53045671-C-T.
Other names: c.256G>A (NM_000423.2); short protein forms A86T.
Identifiers: ClinVar variation 4974631 (VCV004974631.2).
Genomic context (GRCh38, chr12:52,651,887, plus strand): 5'-TGCCACCTCCAAAGCTGCTGCCGCCTCCAAAACCACCTCCTCTGCCACCAAATCCACCAG[C>T]GGCGCCAAAGCCACCACCTCCTCCAGCCACACTAATGGAGATGCTCTTGGTCCCTCCAAG-3'
Protein context (NP_000414.2, residues 76-96): VAGGGGGFGA[Ala86Thr]GGFGGRGGGF